The following is an entry in ClinVar:

NM_004304.5(ALK):c.227C>G (p.Ser76Cys)

Gene: ALK (ALK receptor tyrosine kinase; minus strand). Cytogenetic location: 2p23.1.
Variant type: single nucleotide variant.
Coding change: c.227C>G on transcript NM_004304.5 (MANE Select); coding-DNA position 227, C replaced by G.
Protein change: p.Ser76Cys; replaces serine 76 with cysteine.
Molecular consequence: missense variant.
Genome position (GRCh38, 1-based): chr2:29,920,433, G>C on the plus strand (C>G on the coding strand, the complement: ALK is on the minus strand). VCF-style: chr2-29920433-G-C. GRCh37 (hg19) VCF-style: chr2-30143299-G-C.
Other names: short protein forms S76C.
Identifiers: ClinVar variation 1471262 (VCV001471262.8), dbSNP rs2148443665, ClinGen allele CA346590445.
Genomic context (GRCh38, chr2:29,920,433, plus strand): 5'-GCGCAGTCCAGAGCTAGCGAGCCGCGGGCCTCGGGCCTGCCAGCCTTCAGCTCCGAGGAG[G>C]ATGGTGGCAGCAGTAGGTCCCGGGCGTAGACACGGAAGAGCGAGGGCACCACGAAGTCAA-3'
Protein context (NP_004295.2, residues 66-86): VYARDLLLPP[Ser76Cys]SSELKAGRPE

ClinVar aggregate classification (germline): Uncertain significance (1 of 4 stars; one submission).

Conditions:
Neuroblastoma, susceptibility to, 3. Also called: ALK-Related Neuroblastic Tumor Susceptibility. Identifiers: Orphanet 635, MedGen C2751681, MONDO:0013083, OMIM 613014.

Submission:

Labcorp Genetics (formerly Invitae), Labcorp
Classification: Uncertain significance for Neuroblastoma, susceptibility to, 3. Last evaluated: 2020-12-06. Review status: criteria provided, single submitter. Criteria: Invitae Variant Classification Sherloc (09022015). Collection method: clinical testing. Allele origin: germline.
Comment: This sequence change replaces serine with cysteine at codon 76 of the ALK protein (p.Ser76Cys). The serine residue is moderately conserved and there is a moderate physicochemical difference between serine and cysteine. This variant is not present in population databases (ExAC no frequency). This variant has not been reported in the literature in individuals with ALK-related conditions. Algorithms developed to predict the effect of missense changes on protein structure and function are either unavailable or do not agree on the potential impact of this missense change (SIFT: "Deleterious"; PolyPhen-2: "Benign"; Align-GVGD: "Class C0"). In summary, the available evidence is currently insufficient to determine the role of this variant in disease. Therefore, it has been classified as a Variant of Uncertain Significance.